The following is an entry in ClinVar:

ClinVar aggregate classification (germline): Conflicting classifications of pathogenicity. Review status: criteria provided, conflicting classifications (1 of 4 stars). 5 submissions from 5 submitters: Uncertain significance (2); Likely benign (2). 1 of the submissions does not count toward it. Last evaluated 2026-10-08.

Conditions:
COASY-related disorder. Also called: COASY-related condition.
Neurodegeneration with brain iron accumulation 6 (NBIA6). Also called: COASY protein-associated neurodegeneration. Identifiers: Orphanet 397725, MedGen C4517377, MONDO:0014290, OMIM 615643.

Allele frequency attached by ClinVar (database versions not stated): 1000 Genomes Project 30x 0.00016; 1000 Genomes Project 0.00040; gnomAD exomes 0.00094 and 0.00161; ExAC 0.00095; gnomAD 0.00096; TOPMed 0.00108; ESP Exome Variant Server 0.00131.

Submissions (5):

GeneDx
Classification: Uncertain significance. Last evaluated: 2026-10-08. Review status: criteria provided, single submitter. Criteria: GeneDx Variant Classification Process June 2021. Collection method: clinical testing. Allele origin: germline.
Comment: Nucleotide is not conserved across species and the substitution has no predicted effect on splicing; Has not been previously published as pathogenic or benign to our knowledge; Alters the Kozak sequence, which plays a major role in the initiation of translation

Blueprint Genetics
Classification: Likely benign. Last evaluated: 2024-10-31. Review status: criteria provided, single submitter. Criteria: ACMG Guidelines, 2015. Collection method: clinical testing. Allele origin: germline.

CeGaT Center for Human Genetics Tuebingen
Classification: Likely benign. Last evaluated: 2024-08-01. Review status: criteria provided, single submitter. Criteria: CeGaT Center For Human Genetics Tuebingen Variant Classification Criteria Version 2. Collection method: clinical testing. Allele origin: germline. Affected: yes. Observed: 4 variant alleles.
Comment: COASY: BP4

Breakthrough Genomics
Classification: Uncertain significance. Review status: criteria provided, single submitter. Criteria: ACMG Guidelines, 2015. Collection method: not provided. Allele origin: germline. Inheritance: Autosomal recessive inheritance. Affected: yes.

PreventionGenetics, part of Exact Sciences
Classification: Likely benign for COASY-related condition. Last evaluated: 2022-12-06. Review status: no assertion criteria provided. Collection method: clinical testing. Allele origin: germline. Not counted in ClinVar's aggregate classification.
Comment: This variant is classified as likely benign based on ACMG/AMP sequence variant interpretation guidelines (Richards et al. 2015 PMID: 25741868, with internal and published modifications).

NM_025233.7(COASY):c.-1C>T

Genes: COASY (Coenzyme A synthase; plus strand), LOC130060908 (ATAC-STARR-seq lymphoblastoid active region 12207; plus strand). Cytogenetic location: 17q21.2.
Variant type: single nucleotide variant.
Coding change: c.-1C>T on transcript NM_025233.7 (MANE Select); 1 bases upstream of the start codon, C replaced by T.
Molecular consequence: 5 prime UTR variant. On other transcripts: synonymous variant (1).
Genome position (GRCh38, 1-based): chr17:42,562,622, C>T. VCF-style: chr17-42562622-C-T. GRCh37 (hg19) VCF-style: chr17-40714640-C-T.
Other names: c.-1C>T (NM_001042529.3); c.87C>T, p.Ser29= (NM_001042532.4).
Identifiers: ClinVar variation 441109 (VCV000441109.55), dbSNP rs147852474, ClinGen allele CA8577888.